The following is an entry in ClinVar:

NM_012280.4(FTSJ1):c.759+1G>A

Gene: FTSJ1 (FtsJ RNA 2'-O-methyltransferase 1; plus strand). Cytogenetic location: Xp11.23.
Variant type: single nucleotide variant.
Coding change: c.759+1G>A on transcript NM_012280.4 (MANE Select); the canonical splice donor site of the intron after coding-DNA position 759, G replaced by A.
Molecular consequence: splice donor variant.
Genome position (GRCh38, 1-based): chrX:48,482,507, G>A. VCF-style: chrX-48482507-G-A. GRCh37 (hg19) VCF-style: chrX-48340895-G-A.
Other names: c.759+1G>A (NM_001441195.1, NM_001441198.1, NM_001441197.1); c.753+1G>A (NM_177439.3, NM_001441196.1, NM_001441200.1 and 1 more transcripts); c.348+1G>A (NM_001282157.2).
Identifiers: ClinVar variation 4293311 (VCV004293311.1).

ClinVar aggregate classification (germline): Likely pathogenic (1 of 4 stars; one submission).

Conditions:
Intellectual developmental disorder, X-linked 9. Also called: MENTAL RETARDATION, X-LINKED 44; Intellectual disability, X-linked 9. Identifiers: Orphanet 777, MedGen C0796215, MONDO:0010660, OMIM 309549.

Submission:

3billion
Classification: Likely pathogenic for Intellectual developmental disorder, X-linked 9. Last evaluated: 2024-10-11. Review status: criteria provided, single submitter. Criteria: ACMG Guidelines, 2015. Collection method: clinical testing. Allele origin: germline. Affected: yes.
Comment: The variant is not observed in the gnomAD v4.1.0 dataset. Predicted Consequence/Location: Canonical splice site: predicted to alter splicing and result in a loss or disruption of normal protein function. Multiple pathogenic loss-of-function variants are reported downstream of the variant. In silico tools predict the variant to alter splicing and produce an abnormal transcript [SpliceAI: 0.99 (spliceogenicity >=0.2, non-spliceogenicity <0.1)]. Therefore, this variant is classified as Likely pathogenic according to the recommendation of ACMG/AMP guideline.